The following is an entry in ClinVar:

ClinVar aggregate classification (germline): Uncertain significance (1 of 4 stars; one submission).

Submission:

Labcorp Genetics (formerly Invitae), Labcorp
Classification: Uncertain significance. Last evaluated: 2025-03-14. Review status: criteria provided, single submitter. Criteria: Invitae Variant Classification Sherloc (09022015). Collection method: clinical testing. Allele origin: germline.
Comment: This sequence change replaces aspartic acid, which is acidic and polar, with glutamic acid, which is acidic and polar, at codon 426 of the ACVR1 protein (p.Asp426Glu). This variant is not present in population databases (gnomAD no frequency). This variant has not been reported in the literature in individuals affected with ACVR1-related conditions. An algorithm developed to predict the effect of missense changes on protein structure and function (PolyPhen-2) suggests that this variant is likely to be tolerated. In summary, the available evidence is currently insufficient to determine the role of this variant in disease. Therefore, it has been classified as a Variant of Uncertain Significance.

NM_001111067.4(ACVR1):c.1278T>A (p.Asp426Glu)

Gene: ACVR1 (activin A receptor type 1; minus strand). Cytogenetic location: 2q24.1.
Variant type: single nucleotide variant.
Coding change: c.1278T>A on transcript NM_001111067.4 (MANE Select); coding-DNA position 1278, T replaced by A.
Protein change: p.Asp426Glu; replaces aspartic acid 426 with glutamic acid.
Molecular consequence: missense variant.
Genome position (GRCh38, 1-based): chr2:157,738,557, A>T on the plus strand (T>A on the coding strand, the complement: ACVR1 is on the minus strand). VCF-style: chr2-157738557-A-T. GRCh37 (hg19) VCF-style: chr2-158595069-A-T.
Other names: c.1278T>A, p.Asp426Glu (NM_001105.5, NM_001347663.1, NM_001347664.1 and 3 more transcripts); short protein forms D426E.
Identifiers: ClinVar variation 4714536 (VCV004714536.1).